The following is an entry in ClinVar:

NM_014423.4(AFF4):c.673C>G (p.Arg225Gly)

Gene: AFF4 (ALF transcription elongation factor 4; minus strand). Cytogenetic location: 5q31.1.
Variant type: single nucleotide variant.
Coding change: c.673C>G on transcript NM_014423.4 (MANE Select); coding-DNA position 673, C replaced by G.
Protein change: p.Arg225Gly; replaces arginine 225 with glycine.
Molecular consequence: missense variant.
Genome position (GRCh38, 1-based): chr5:132,934,392, G>C on the plus strand (C>G on the coding strand, the complement: AFF4 is on the minus strand). VCF-style: chr5-132934392-G-C. GRCh37 (hg19) VCF-style: chr5-132270084-G-C.
Other names: short protein forms R225G.
Identifiers: ClinVar variation 778792 (VCV000778792.23), dbSNP rs141402018, ClinGen allele CA3409393.
Genomic context (GRCh38, chr5:132,934,392, plus strand): 5'-TTGACATCAATGAGGGTGGGAAAGATTGAGTTGAGTGCTGCCCACTTGAAAAAGGTACAC[G>C]GGAAGGAGAATCCCAGTTTGCATCAGGGTCCCGAGGTGATTTGGAGCGTTGATGTTCCTT-3'
Protein context (NP_055238.1, residues 215-235): DPDANWDSPS[Arg225Gly]VPFSSGQHST

ClinVar aggregate classification (germline): Likely benign. Review status: criteria provided, multiple submitters, no conflicts (2 of 4 stars). 3 submissions from 3 submitters: Likely benign (2). 1 of the submissions does not count toward it. Last evaluated 2026-07-01.

Conditions:
AFF4-related disorder. Also called: AFF4-related condition.
Cognitive impairment - coarse facies - heart defects - obesity - pulmonary involvement - short stature - skeletal dysplasia syndrome. Also called: COGNITIVE IMPAIRMENT, COARSE FACIES, HEART DEFECTS, OBESITY, PULMONARY INVOLVEMENT, SHORT STATURE, AND SKELETAL DYSPLASIA; Chops syndrome; AFF4-Related CHOPS Syndrome. Identifiers: Orphanet 444077, MedGen C4085597, MONDO:0014609, OMIM 616368.

Allele frequency attached by ClinVar (database versions not stated): TOPMed 0.00009; 1000 Genomes Project 30x 0.00016; 1000 Genomes Project 0.00020; ESP Exome Variant Server 0.00023.
gnomAD v4.1: 616 of 1,614,138 alleles (0.038%); highest among the groups gnomAD compares: Non-Finnish European, 0.038%; no homozygotes.

Submissions (3):

CeGaT Center for Human Genetics Tuebingen
Classification: Likely benign. Last evaluated: 2026-07-01. Review status: criteria provided, single submitter. Criteria: CeGaT Center For Human Genetics Tuebingen Variant Classification Criteria Version 2. Collection method: clinical testing. Allele origin: germline. Affected: yes. Observed: 3 variant alleles.
Comment: AFF4: BS2

Labcorp Genetics (formerly Invitae), Labcorp
Classification: Likely benign for Cognitive impairment - coarse facies - heart defects - obesity - pulmonary involvement - short stature - skeletal dysplasia syndrome. Last evaluated: 2025-10-21. Review status: criteria provided, single submitter. Criteria: Invitae Variant Classification Sherloc (09022015). Collection method: clinical testing. Allele origin: germline.

PreventionGenetics, part of Exact Sciences
Classification: Likely benign for AFF4-related condition. Last evaluated: 2022-04-11. Review status: no assertion criteria provided. Collection method: clinical testing. Allele origin: germline. Not counted in ClinVar's aggregate classification.
Comment: This variant is classified as likely benign based on ACMG/AMP sequence variant interpretation guidelines (Richards et al. 2015 PMID: 25741868, with internal and published modifications).